The following is an entry in ClinVar:

ClinVar aggregate classification (germline): Pathogenic. Review status: criteria provided, multiple submitters, no conflicts (2 of 4 stars). 2 submissions from 2 submitters: Pathogenic (2). Last evaluated 2025-03-11.

Conditions:
TH-deficient dopa-responsive dystonia. Also called: DYT-TH; Tyrosine Hydroxylase-Deficient Dopa-Responsive Dystonia; Segawa syndrome, autosomal recessive. Identifiers: Orphanet 101150, MedGen C2673535, MONDO:0011551, OMIM 605407.

Allele frequency attached by ClinVar (database versions not stated): gnomAD exomes below 0.00001.
gnomAD v4.1: 3 of 1,613,322 alleles (0.00019%); highest among the groups gnomAD compares: East Asian, 0.0067%; no homozygotes.

Submissions (2):

Natera, Inc.
Classification: Pathogenic for Autosomal recessive Segawa syndrome. Last evaluated: 2025-03-11. Review status: criteria provided, single submitter. Criteria: Natera Variant Classification Schema (03/2026). Collection method: clinical testing. Allele origin: germline.
Comment: The c.581-1G>A variant in TH is a canonical splice acceptor site variant predicted to affect pre-mRNA splicing, which may result in an abnormal transcript and altered protein product. This variant is expected to result in nonsense mediated decay, truncation, or a dysfunctional protein product. This variant is rare in the general population with a frequency below the threshold expected for the associated phenotype(s). This variant has been observed in one or more individuals affected with the associated recessive disease, as either homozygous or compound heterozygous with a second variant (PMID: 31419477). Given the available evidence, this variant is classified as Pathogenic.

Labcorp Genetics (formerly Invitae), Labcorp
Classification: Pathogenic for TH-deficient dopa-responsive dystonia. Last evaluated: 2024-03-03. Review status: criteria provided, single submitter. Criteria: Invitae Variant Classification Sherloc (09022015). Collection method: clinical testing. Allele origin: germline.
Comment: This sequence change affects an acceptor splice site in intron 4 of the TH gene. It is expected to disrupt RNA splicing. Variants that disrupt the donor or acceptor splice site typically lead to a loss of protein function (PMID: 16199547), and loss-of-function variants in TH are known to be pathogenic (PMID: 22264700, 24753243). This variant is present in population databases (no rsID available, gnomAD 0.006%). Disruption of this splice site has been observed in individual(s) with dystonia (PMID: 31419477). In at least one individual the data is consistent with being in trans (on the opposite chromosome) from a pathogenic variant. ClinVar contains an entry for this variant (Variation ID: 1068293). Algorithms developed to predict the effect of sequence changes on RNA splicing suggest that this variant may disrupt the consensus splice site. For these reasons, this variant has been classified as Pathogenic.

Literature cited by the submitters: PubMed 31419477 (cited by Natera, Inc. and Labcorp Genetics (formerly Invitae), Labcorp); PubMed 16199547 (cited by Labcorp Genetics (formerly Invitae), Labcorp); PubMed 22264700 (cited by Labcorp Genetics (formerly Invitae), Labcorp); PubMed 24753243 (cited by Labcorp Genetics (formerly Invitae), Labcorp).

NM_000360.4(TH):c.488-1G>A

Gene: TH (tyrosine hydroxylase; minus strand). Cytogenetic location: 11p15.5.
Variant type: single nucleotide variant.
Coding change: c.488-1G>A on transcript NM_000360.4 (MANE Select); the canonical splice acceptor site of the intron before coding-DNA position 488, G replaced by A.
Molecular consequence: splice acceptor variant.
Genome position (GRCh38, 1-based): chr11:2,168,180, C>T on the plus strand (G>A on the coding strand, the complement: TH is on the minus strand). VCF-style: chr11-2168180-C-T. GRCh37 (hg19) VCF-style: chr11-2189410-C-T.
Other names: c.569-1G>A (NM_199293.3); c.581-1G>A (NM_199292.3, NM_199292.2).
Identifiers: ClinVar variation 1068293 (VCV001068293.8), dbSNP rs1285458218, ClinGen allele CA379128702.